The following is an entry in ClinVar:

ClinVar aggregate classification (germline): Likely pathogenic. Review status: criteria provided, multiple submitters, no conflicts (2 of 4 stars). 2 submissions from 2 submitters: Likely pathogenic (2). Last evaluated 2024-06-07.

Conditions:
Mucopolysaccharidosis, MPS-II (MPS2). Also called: Hunter Syndrome; IDURONATE 2-SULFATASE DEFICIENCY; Mucopolysaccharidosis Type II; Mucopolysaccharidosis type 2; Attenuated MPS (subtype; formerly known as mild MPS II); Severe MPS II. Identifiers: Orphanet 580, Orphanet 79388, MedGen C0026705, MONDO:0010674, OMIM 309900.

Submissions (2):

Laboratory of Diagnosis and Therapy of Lysosomal Disorders, University of Padova
Classification: Likely pathogenic for Mucopolysaccharidosis, MPS-II. Last evaluated: 2024-06-07. Review status: criteria provided, single submitter. Criteria: ACMG Guidelines, 2015. Collection method: literature only. Allele origin: germline. Affected: yes. Observed: 4 variant alleles.
Comment: Absent from controls (or at low frequency) in gnomAD database (PM2_Moderate), Missense variant in a gene with a low rate of benign missense variation (PP2_Supporting), Multiple lines of computational evidence support a deleterious effect (PP3_Supporting), Patient’s phenotype or family history highly specific for the disease (PP4_Strong)

Classification method: ACMG Guidelines [PMID:25741868] with modifications

Juno Genomics, Hangzhou Juno Genomics, Inc
Classification: Likely pathogenic for Mucopolysaccharidosis, MPS-II. Review status: criteria provided, single submitter. Criteria: ACMG Guidelines, 2015. Collection method: clinical testing. Allele origin: germline. Affected: yes.
Comment: Absent from controls (or at extremely low frequency if recessive) in Genome Aggregation Database, Exome Sequencing Project, 1000 Genomes Project, or Exome Aggregation Consortium.;Multiple lines of computational evidence support a deleterious effect on the gene or gene product (conservation, evolutionary, splicing impact, etc).;The prevalence of the variant in affected individuals is significantly increased compared to the prevalence in controls.;Patient's phenotype or family history is highly specific for a disease with a single genetic etiology.

Literature cited by the submitters: PubMed 22976768 (cited by Laboratory of Diagnosis and Therapy of Lysosomal Disorders, University of Padova); PubMed 36713083 (cited by Laboratory of Diagnosis and Therapy of Lysosomal Disorders, University of Padova).

NM_000202.8(IDS):c.934G>T (p.Gly312Cys)

Genes: IDS (iduronate 2-sulfatase; minus strand), LOC106050102 (IDS recombination region; plus strand). Cytogenetic location: Xq28.
Variant type: single nucleotide variant.
Coding change: c.934G>T on transcript NM_000202.8 (MANE Select); coding-DNA position 934, G replaced by T.
Protein change: p.Gly312Cys; replaces glycine 312 with cysteine.
Molecular consequence: missense variant. On other transcripts: non-coding transcript variant (1).
Genome position (GRCh38, 1-based): chrX:149,490,386, C>A on the plus strand (G>T on the coding strand, the complement: IDS is on the minus strand). VCF-style: chrX-149490386-C-A. GRCh37 (hg19) VCF-style: chrX-148571917-C-A.
Other names: c.664G>T, p.Gly222Cys (NM_001166550.4); c.934G>T, p.Gly312Cys (NM_006123.5); short protein forms G222C, G312C.
Identifiers: ClinVar variation 3255885 (VCV003255885.4).